The following is an entry in ClinVar:

NM_015338.6(ASXL1):c.2156del (p.Glu719fs)

Gene: ASXL1 (ASXL transcriptional regulator 1; plus strand). Cytogenetic location: 20q11.21.
Variant type: Deletion.
Coding change: c.2156del on transcript NM_015338.6 (MANE Select); coding-DNA position 2156, one base deleted (A; older notation c.2156delA).
Protein change: p.Glu719fs; shifts the reading frame from glutamic acid 719.
Molecular consequence: frameshift variant.
Genome position (GRCh38, 1-based): chr20:32,434,868, A deleted. VCF-style (leftmost placement, unchanged base first): chr20-32434867-GA-G. GRCh37 (hg19) VCF-style: chr20-31022670-GA-G.
Other names: c.1973del, p.Glu658fs (NM_001363734.1); short protein forms E658fs, E719fs.
Identifiers: ClinVar variation 4823366 (VCV004823366.4).
Genomic context (GRCh38, chr20:32,434,867, plus strand): 5'-CCTTATCCTCTAAATGGGGAGCATACCCAGGCCGGAACTGCCATGTCCAGAGCTAGGAGA[GA>G]GGACCTGCCTTCTCTGAGAAAGGAGGAAAGCTGCCTACTACAGAGGGCTACAGTTGGACT-3'

ClinVar aggregate classification (germline): Likely pathogenic (1 of 4 stars; one submission).

Submission:

CeGaT Center for Human Genetics Tuebingen
Classification: Likely pathogenic. Last evaluated: 2026-02-01. Review status: criteria provided, single submitter. Criteria: CeGaT Center For Human Genetics Tuebingen Variant Classification Criteria Version 2. Collection method: clinical testing. Allele origin: germline. Affected: yes. Observed: 1 variant allele.
Comment: ASXL1: PVS1:Strong, PM2